The following is an entry in ClinVar:

NM_145331.3(MAP3K7):c.314A>G (p.Glu105Gly)

Gene: MAP3K7 (mitogen-activated protein kinase kinase kinase 7; minus strand). Cytogenetic location: 6q15.
Variant type: single nucleotide variant.
Coding change: c.314A>G on transcript NM_145331.3 (MANE Select); coding-DNA position 314, A replaced by G.
Protein change: p.Glu105Gly; replaces glutamic acid 105 with glycine.
Molecular consequence: missense variant.
Genome position (GRCh38, 1-based): chr6:90,561,651, T>C on the plus strand (A>G on the coding strand, the complement: MAP3K7 is on the minus strand). VCF-style: chr6-90561651-T-C. GRCh37 (hg19) VCF-style: chr6-91271370-T-C.
Other names: c.314A>G, p.Glu105Gly (NM_145332.3, NM_145333.3, NM_003188.4); short protein forms E105G.
Identifiers: ClinVar variation 2755349 (VCV002755349.3), dbSNP rs2481844707, ClinGen allele CA365016107.

ClinVar aggregate classification (germline): Uncertain significance (1 of 4 stars; one submission).

Submission:

Labcorp Genetics (formerly Invitae), Labcorp
Classification: Uncertain significance. Last evaluated: 2023-08-27. Review status: criteria provided, single submitter. Criteria: Invitae Variant Classification Sherloc (09022015). Collection method: clinical testing. Allele origin: germline.
Comment: This sequence change replaces glutamic acid, which is acidic and polar, with glycine, which is neutral and non-polar, at codon 105 of the MAP3K7 protein (p.Glu105Gly). This variant is not present in population databases (gnomAD no frequency). This variant has not been reported in the literature in individuals affected with MAP3K7-related conditions. An algorithm developed to predict the effect of missense changes on protein structure and function (PolyPhen-2) suggests that this variant is likely to be disruptive. In summary, the available evidence is currently insufficient to determine the role of this variant in disease. Therefore, it has been classified as a Variant of Uncertain Significance.